The following is an entry in ClinVar:

NM_001148.6(ANK2):c.8176A>T (p.Thr2726Ser)

Gene: ANK2 (ankyrin 2; plus strand). Cytogenetic location: 4q26.
Variant type: single nucleotide variant.
Coding change: c.8176A>T on transcript NM_001148.6 (MANE Select); coding-DNA position 8176, A replaced by T.
Protein change: p.Thr2726Ser; replaces threonine 2726 with serine.
Molecular consequence: missense variant. On other transcripts: intron variant (68).
Genome position (GRCh38, 1-based): chr4:113,356,794, A>T. VCF-style: chr4-113356794-A-T. GRCh37 (hg19) VCF-style: chr4-114277950-A-T.
Other names: c.7942A>T, p.Thr2648Ser (NM_001386142.1); c.4576A>T, p.Thr1526Ser (NM_001386166.1); c.8317A>T, p.Thr2773Ser (NM_001386174.1); c.8293A>T, p.Thr2765Ser (NM_001386175.1); c.4412-4029A>T (NM_001386186.2, NM_001386148.2); c.4214-4029A>T (NM_001354269.3); c.4292-4029A>T (NM_001386187.2); c.4253-4029A>T (NM_001386147.1); and 35 more; short protein forms T2726S, T2773S, T2648S, T1526S, T2765S.
Identifiers: ClinVar variation 5022138 (VCV005022138.1).

ClinVar aggregate classification (germline): Uncertain significance (1 of 4 stars; one submission).

Conditions:
Cardiovascular phenotype. Identifiers: MedGen CN230736.

gnomAD v4.1: 1 of 1,614,148 alleles (0.000062%); highest among the groups gnomAD compares: East Asian, 0.0022%; no homozygotes.

Submission:

Ambry Genetics
Classification: Uncertain significance for Cardiovascular phenotype. Last evaluated: 2026-08-29. Review status: criteria provided, single submitter. Criteria: Ambry Variant Classification Scheme 2023. Collection method: clinical testing. Allele origin: germline.
Comment: The p.T2726S variant (also known as c.8176A>T), located in coding exon 38 of the ANK2 gene, results from an A to T substitution at nucleotide position 8176. The threonine at codon 2726 is replaced by serine, an amino acid with similar properties. This amino acid position is conserved. In addition, this alteration is predicted to be tolerated by in silico analysis. Based on the available evidence, the clinical significance of this variant remains unclear.